The following is an entry in ClinVar:

ClinVar aggregate classification (germline): Uncertain significance (1 of 4 stars; one submission).

Conditions:
Hereditary cancer-predisposing syndrome. Also called: Neoplastic Syndromes, Hereditary; Tumor predisposition; Hereditary neoplastic syndrome; Hereditary Cancer Syndrome. Identifiers: Orphanet 140162, MedGen C0027672, MeSH D009386, MONDO:0015356.

Submission:

Ambry Genetics
Classification: Uncertain significance for Hereditary cancer-predisposing syndrome. Last evaluated: 2026-07-06. Review status: criteria provided, single submitter. Criteria: Ambry Variant Classification Scheme 2023. Collection method: clinical testing. Allele origin: germline.
Comment: The p.E361D variant (also known as c.1083G>T), located in coding exon 4 of the AXIN2 gene, results from a G to T substitution at nucleotide position 1083. The glutamic acid at codon 361 is replaced by aspartic acid, an amino acid with highly similar properties. This amino acid position is conserved. In addition, the in silico prediction for this alteration is inconclusive. Based on the available evidence, the clinical significance of this variant remains unclear.

NM_004655.4(AXIN2):c.1083G>T (p.Glu361Asp)

Gene: AXIN2 (axin 2; minus strand). Cytogenetic location: 17q24.1.
Variant type: single nucleotide variant.
Coding change: c.1083G>T on transcript NM_004655.4 (MANE Select); coding-DNA position 1083, G replaced by T.
Protein change: p.Glu361Asp; replaces glutamic acid 361 with aspartic acid.
Molecular consequence: missense variant.
Genome position (GRCh38, 1-based): chr17:65,538,320, C>A on the plus strand (G>T on the coding strand, the complement: AXIN2 is on the minus strand). VCF-style: chr17-65538320-C-A. GRCh37 (hg19) VCF-style: chr17-63534438-C-A.
Other names: c.1083G>T, p.Glu361Asp (NM_001363813.1); short protein forms E361D.
Identifiers: ClinVar variation 5032558 (VCV005032558.1).